The following is an entry in ClinVar:

ClinVar aggregate classification (germline): Uncertain significance (1 of 4 stars; one submission).

Conditions:
Hereditary breast ovarian cancer syndrome. Also called: Hereditary breast and ovarian cancer syndrome; Hereditary breast and ovarian cancer; Hereditary breast and ovarian cancer syndrome (HBOC); Hereditary breast and/or ovarian cancer syndrome; Breast and ovarian cancer; BRCA1- and BRCA2-Associated Hereditary Breast and Ovarian Cancer. Identifiers: Orphanet 145, MedGen C0677776, MeSH D061325, MONDO:0003582. Disease mechanism: loss of function.

Allele frequency attached by ClinVar (database versions not stated): gnomAD exomes below 0.00001.
gnomAD v4.1: 3 of 1,614,224 alleles (0.00019%); highest among the groups gnomAD compares: Non-Finnish European, 0.00025%; no homozygotes.

Submission:

Labcorp Genetics (formerly Invitae), Labcorp
Classification: Uncertain significance for Hereditary breast ovarian cancer syndrome. Last evaluated: 2023-06-21. Review status: criteria provided, single submitter. Criteria: Invitae Variant Classification Sherloc (09022015). Collection method: clinical testing. Allele origin: germline.
Comment: This sequence change replaces serine, which is neutral and polar, with phenylalanine, which is neutral and non-polar, at codon 1595 of the BRCA1 protein (p.Ser1595Phe). This variant is present in population databases (no rsID available, gnomAD 0.0009%). This variant has not been reported in the literature in individuals affected with BRCA1-related conditions. Advanced modeling of protein sequence and biophysical properties (such as structural, functional, and spatial information, amino acid conservation, physicochemical variation, residue mobility, and thermodynamic stability) performed at Invitae indicates that this missense variant is not expected to disrupt BRCA1 protein function. In summary, the available evidence is currently insufficient to determine the role of this variant in disease. Therefore, it has been classified as a Variant of Uncertain Significance.

NM_007294.4(BRCA1):c.4784C>T (p.Ser1595Phe)

Gene: BRCA1 (BRCA1 DNA repair associated; minus strand). Cytogenetic location: 17q21.31.
Variant type: single nucleotide variant.
Coding change: c.4784C>T on transcript NM_007294.4 (MANE Select); coding-DNA position 4784, C replaced by T.
Protein change: p.Ser1595Phe; replaces serine 1595 with phenylalanine.
Molecular consequence: missense variant. On other transcripts: intron variant (1).
Genome position (GRCh38, 1-based): chr17:43,071,130, G>A on the plus strand (C>T on the coding strand, the complement: BRCA1 is on the minus strand). VCF-style: chr17-43071130-G-A. GRCh37 (hg19) VCF-style: chr17-41223147-G-A.
Other names: c.4652C>T, p.Ser1551Phe (NM_001407690.1, NM_001407691.1); c.4643C>T, p.Ser1548Phe (NM_001407692.1, NM_001407694.1, NM_001407695.1 and 13 more transcripts); c.4640C>T, p.Ser1547Phe (NM_001407732.1, NM_001407733.1, NM_001407734.1 and 21 more transcripts); c.4637C>T, p.Ser1546Phe (NM_001407838.1, NM_001407839.1, NM_001407841.1 and 12 more transcripts); c.4784C>T, p.Ser1595Phe (NM_001407854.1, NM_001407593.1, NM_001407594.1 and 8 more transcripts); c.4781C>T, p.Ser1594Phe (NM_001407858.1, NM_001407859.1, NM_001407860.1 and 17 more transcripts); c.4778C>T, p.Ser1593Phe (NM_001407861.1, NM_001407627.1, NM_001407628.1 and 14 more transcripts); c.4583C>T, p.Ser1528Phe (NM_001407862.1); and 71 more; short protein forms S726F, S727F, S1298F, S1299F, S1426F, S1467F, S1482F, S1484F.
Identifiers: ClinVar variation 2720433 (VCV002720433.3), dbSNP rs1395897649, ClinGen allele CA10591946.